The following is an entry in ClinVar:

NM_005901.6(SMAD2):c.998-2A>G

Gene: SMAD2 (SMAD family member 2; minus strand). Cytogenetic location: 18q21.1.
Variant type: single nucleotide variant.
Coding change: c.998-2A>G on transcript NM_005901.6 (MANE Select); the canonical splice acceptor site of the intron before coding-DNA position 998, A replaced by G.
Molecular consequence: splice acceptor variant.
Genome position (GRCh38, 1-based): chr18:47,845,802, T>C on the plus strand (A>G on the coding strand, the complement: SMAD2 is on the minus strand). VCF-style: chr18-47845802-T-C. GRCh37 (hg19) VCF-style: chr18-45372173-T-C.
Other names: c.908-2A>G (NM_001135937.3); c.998-2A>G (NM_001003652.4).
Identifiers: ClinVar variation 5016793 (VCV005016793.1).

ClinVar aggregate classification (germline): Pathogenic (1 of 4 stars; one submission).

Submission:

GeneDx
Classification: Pathogenic. Last evaluated: 2026-03-24. Review status: criteria provided, single submitter. Criteria: GeneDx Variant Classification Process June 2021. Collection method: clinical testing. Allele origin: germline.
Comment: Canonical splice site variant expected to result in aberrant splicing, although in the absence of functional evidence the actual effect of this sequence change is unknown.; Not observed at significant frequency in large population cohorts (gnomAD); Has not been previously published as pathogenic or benign to our knowledge